The following is an entry in ClinVar:

ClinVar aggregate classification (germline): Pathogenic (1 of 4 stars; one submission).

Conditions:
Melnick-Needles syndrome (MNS). Also called: MELNICK-NEEDLES OSTEODYSPLASTY; Melnick-Needles Syndrome (FLNA-MNS); OSTEODYSPLASTY OF MELNICK AND NEEDLES. Identifiers: Orphanet 2484, MedGen C0025237, MONDO:0010650, OMIM 309350.
Frontometaphyseal dysplasia (FMD1). Identifiers: Orphanet 1826, MedGen C0265293, MONDO:0015942.
Heterotopia, periventricular, X-linked dominant (PVNH1). Also called: PERIVENTRICULAR NODULAR HETEROTOPIA 4; HETEROTOPIA, PERIVENTRICULAR, 1; PERIVENTRICULAR NODULAR HETEROTOPIA 1; X-linked periventricular heterotopia. Identifiers: Orphanet 2149, Orphanet 82004, MedGen C1848213, MONDO:0010233, OMIM 300049.
Oto-palato-digital syndrome, type II (OPD2). Also called: Otopalatodigital Syndrome Type 2 (FLNA-OPD2); FACIOPALATOOSSEOUS SYNDROME; OPD II SYNDROME; Otopalatodigital Syndrome, Type II. Identifiers: Orphanet 669, Orphanet 90652, MedGen C1844696, MONDO:0010571, OMIM 304120.

Submission:

Labcorp Genetics (formerly Invitae), Labcorp
Classification: Pathogenic for Oto-palato-digital syndrome, type II; Heterotopia, periventricular, X-linked dominant; Frontometaphyseal dysplasia; Melnick-Needles syndrome. Last evaluated: 2025-08-11. Review status: criteria provided, single submitter. Criteria: Invitae Variant Classification Sherloc (09022015). Collection method: clinical testing. Allele origin: germline.
Comment: This sequence change creates a premature translational stop signal (p.Arg1272Valfs*14) in the FLNA gene. It is expected to result in an absent or disrupted protein product. Loss-of-function variants in FLNA are known to be pathogenic (PMID: 16684786, 20730588, 26471271). This variant is not present in population databases (gnomAD no frequency). This variant has not been reported in the literature in individuals affected with FLNA-related conditions. ClinVar contains an entry for this variant (Variation ID: 533585). For these reasons, this variant has been classified as Pathogenic.

Literature cited by the submitters: PubMed 16684786; PubMed 20730588; PubMed 26471271.

NM_001110556.2(FLNA):c.3814del (p.Arg1272fs)

Gene: FLNA (filamin A; minus strand). Cytogenetic location: Xq28.
Variant type: Deletion.
Coding change: c.3814del on transcript NM_001110556.2 (MANE Select); coding-DNA position 3814, one base deleted (C; older notation c.3814delC).
Protein change: p.Arg1272fs; shifts the reading frame from arginine 1272.
Molecular consequence: frameshift variant.
Genome position (GRCh38, 1-based): chrX:154,359,897, G deleted on the plus strand (C on the coding strand, the reverse complement: FLNA is on the minus strand); the first of 2 consecutive G bases (chrX:154,359,897-154,359,898); deleting either gives the same sequence. VCF-style (leftmost placement, unchanged base first): chrX-154359896-CG-C. GRCh37 (hg19) VCF-style: chrX-153588264-CG-C.
Other names: c.3814delC (NM_001456.3); c.3814del, p.Arg1272fs (NM_001456.4); short protein forms R1272fs.
Identifiers: ClinVar variation 533585 (VCV000533585.8), dbSNP rs1557177636, ClinGen allele CA658799920.